The following continues an entry in ClinVar:

NM_007294.4(BRCA1):c.5053A>G (p.Thr1685Ala)

Gene: BRCA1. ClinVar aggregate classification (germline): Pathogenic. Pathogenic (1).

Submissions 8 to 11 of 11:

GeneDx
Classification: Pathogenic. Last evaluated: 2021-06-14. Review status: criteria provided, single submitter. Criteria: GeneDx Variant Classification Process June 2021. Collection method: clinical testing. Allele origin: germline. Affected: yes. Not counted in ClinVar's aggregate classification.
Comment: Published functional studies demonstrate a damaging effect with respect to: stability, binding activity and specificity, transcription activity, and protease sensitivity (Lee 2010, Thouvenot 2016, Woods 2016, Findlay 2018, Fernandes 2019); Multifactorial studies suggest this variant is associated with breast and ovarian cancer (Lindor 2012); Observed in individuals with a personal or family history consistent with pathogenic variants in this gene (Meindl 2002, Rebbeck 2018); In silico analysis supports that this missense variant has a deleterious effect on protein structure/function; Also known as 5172A>G; Not observed at significant frequency in large population cohorts (Lek 2016); This variant is associated with the following publications: (PMID: 17305420, 17924331, 15235020, 29446198, 11802209, 24772314, 9974970, 11301010, 10220405, 24389207, 9738006, 9159119, 9926942, 10196224, 9811458, 30765603, 30209399, 20516115, 27272900, 28781887, 21990134, 27535533, 31131967, 15172985, 33087888)

Consortium of Investigators of Modifiers of BRCA1/2 (CIMBA), c/o University of Cambridge
Classification: Pathogenic for Breast-ovarian cancer, familial, susceptibility to, 1. Last evaluated: 2015-10-02. Review status: criteria provided, single submitter. Criteria: CIMBA Mutation Classification guidelines May 2016. Collection method: clinical testing. Allele origin: germline. Not counted in ClinVar's aggregate classification.

Breast Cancer Information Core (BIC) (BRCA1)
Classification: Uncertain significance for Breast-ovarian cancer, familial 1. Last evaluated: 2002-05-29. Review status: no assertion criteria provided. Collection method: clinical testing. Allele origin: germline. Affected: yes. Observed: 2 variant alleles. Not counted in ClinVar's aggregate classification.

Brotman Baty Institute, University of Washington
No classification provided (evidence only). Condition: Breast-ovarian cancer, familial 1. Review status: no classification provided. Collection method: in vitro. Allele origin: not applicable. Functional consequence: functionally_abnormal. Not counted in ClinVar's aggregate classification.
ClinVar note: "not provided" was previously submitted as the classification for the variant. However, the classification appeared to be based only on an observation of functional data so it was converted to no classification on 2025-07-30.

Literature cited by the submitters: PubMed 21990134 (cited by Evidence-based Network for the Interpretation of Germline Mutant Alleles (ENIGMA)); PubMed 10923033 (cited by Labcorp Genetics (formerly Invitae), Labcorp); PubMed 11802209 (cited by Labcorp Genetics (formerly Invitae), Labcorp and Color Diagnostics, LLC DBA Color Health); PubMed 30209399 (cited by 4 submitters); PubMed 20516115 (cited by 3 submitters); PubMed 27272900 (cited by Labcorp Genetics (formerly Invitae), Labcorp and Color Diagnostics, LLC DBA Color Health); PubMed 15172985 (cited by Labcorp Genetics (formerly Invitae), Labcorp and Color Diagnostics, LLC DBA Color Health); PubMed 15689452 (cited by Labcorp Genetics (formerly Invitae), Labcorp); PubMed 17924331 (cited by Labcorp Genetics (formerly Invitae), Labcorp and Color Diagnostics, LLC DBA Color Health); PubMed 29446198 (cited by 3 submitters); PubMed 30257991 (cited by Ambry Genetics and Color Diagnostics, LLC DBA Color Health); PubMed 38439815 (cited by Women's Health and Genetics/Laboratory Corporation of America, LabCorp); PubMed 17305420 (cited by Color Diagnostics, LLC DBA Color Health); PubMed 24772314 (cited by Color Diagnostics, LLC DBA Color Health); PubMed 26689913 (cited by Color Diagnostics, LLC DBA Color Health); PubMed 29297111 (cited by Color Diagnostics, LLC DBA Color Health); PubMed 34296289 (cited by Color Diagnostics, LLC DBA Color Health).